The following is an entry in ClinVar:

NM_000231.3(SGCG):c.439G>A (p.Gly147Ser)

Gene: SGCG (sarcoglycan gamma; plus strand). Cytogenetic location: 13q12.12.
Variant type: single nucleotide variant.
Coding change: c.439G>A on transcript NM_000231.3 (MANE Select); coding-DNA position 439, G replaced by A.
Protein change: p.Gly147Ser; replaces glycine 147 with serine.
Molecular consequence: missense variant.
Genome position (GRCh38, 1-based): chr13:23,279,412, G>A. VCF-style: chr13-23279412-G-A. GRCh37 (hg19) VCF-style: chr13-23853551-G-A.
Other names: c.439G>A, p.Gly147Ser (NM_001378245.1, NM_001378246.1); c.493G>A, p.Gly165Ser (NM_001378244.1); short protein forms G147S, G165S.
Identifiers: ClinVar variation 461624 (VCV000461624.12), dbSNP rs374836520, ClinGen allele CA6909692.

ClinVar aggregate classification (germline): Uncertain significance. Review status: criteria provided, multiple submitters, no conflicts (2 of 4 stars). 4 submissions from 4 submitters: Uncertain significance (3). 1 of the submissions does not count toward it. Last evaluated 2024-12-30.

Conditions:
Autosomal recessive limb-girdle muscular dystrophy type 2C (LGMDR5). Also called: MUSCULAR DYSTROPHY, DUCHENNE-LIKE; MUSCULAR DYSTROPHY, LIMB-GIRDLE, AUTOSOMAL RECESSIVE 5. Identifiers: Orphanet 353, MedGen C0410173, MONDO:0009677, OMIM 253700. Disease mechanism: Affects gamma-sarcoglycan and also disrupts the integrity of the entire sarcoglycan complex..

Allele frequency attached by ClinVar (database versions not stated): gnomAD 0.00003 and 0.00004; ExAC 0.00005; gnomAD exomes 0.00006; TOPMed 0.00011; ESP Exome Variant Server 0.00015.
gnomAD v4.1: 100 of 1,613,028 alleles (0.0062%); highest among the groups gnomAD compares: Admixed American, 0.02%; no homozygotes.

Submissions (4):

GeneDx
Classification: Uncertain significance. Last evaluated: 2024-12-30. Review status: criteria provided, single submitter. Criteria: GeneDx Variant Classification Process June 2021. Collection method: clinical testing. Allele origin: germline. Affected: yes.
Comment: Missense variants in this gene are a common cause of disease and they are underrepresented in the general population; In silico analysis supports that this missense variant has a deleterious effect on protein structure/function; Has not been previously published as pathogenic or benign to our knowledge

Labcorp Genetics (formerly Invitae), Labcorp
Classification: Uncertain significance for Autosomal recessive limb-girdle muscular dystrophy type 2C. Last evaluated: 2024-10-29. Review status: criteria provided, single submitter. Criteria: Invitae Variant Classification Sherloc (09022015). Collection method: clinical testing. Allele origin: germline.
Comment: This sequence change replaces glycine, which is neutral and non-polar, with serine, which is neutral and polar, at codon 147 of the SGCG protein (p.Gly147Ser). This variant is present in population databases (rs374836520, gnomAD 0.02%). This variant has not been reported in the literature in individuals affected with SGCG-related conditions. ClinVar contains an entry for this variant (Variation ID: 461624). Invitae Evidence Modeling of protein sequence and biophysical properties (such as structural, functional, and spatial information, amino acid conservation, physicochemical variation, residue mobility, and thermodynamic stability) indicates that this missense variant is not expected to disrupt SGCG protein function with a negative predictive value of 80%. In summary, the available evidence is currently insufficient to determine the role of this variant in disease. Therefore, it has been classified as a Variant of Uncertain Significance.

Fulgent Genetics
Classification: Uncertain significance for Autosomal recessive limb-girdle muscular dystrophy type 2C. Last evaluated: 2021-10-06. Review status: criteria provided, single submitter. Criteria: ACMG Guidelines, 2015. Collection method: clinical testing. Allele origin: unknown.

Natera, Inc.
Classification: Uncertain significance for Limb-girdle muscular dystrophy type 2C. Last evaluated: 2019-11-11. Review status: no assertion criteria provided. Collection method: clinical testing. Allele origin: germline. Not counted in ClinVar's aggregate classification.